The following is an entry in ClinVar:

ClinVar aggregate classification (germline): Uncertain significance (1 of 4 stars; one submission).

Conditions:
Pseudo-Hurler polydystrophy. Also called: ML III; ML III ALPHA/BETA; Type III Mucolipidosis; ML IIIA; Mucolipidosis III Alpha/Beta; MUCOLIPIDOSIS IIIA. Identifiers: Orphanet 423461, Orphanet 577, MedGen C0033788, MONDO:0018931, OMIM 252600.
Mucolipidosis type II. Also called: ML II ALPHA/BETA; Mucolipidosis 2; ML 2; Inclusion cell disease; Leroy Disease; N-acetylglucosamine 1phosphotransferase deficiency. Identifiers: Orphanet 576, MedGen C2673377, MONDO:0009650, OMIM 252500.

Submission:

Labcorp Genetics (formerly Invitae), Labcorp
Classification: Uncertain significance for Pseudo-Hurler polydystrophy; Mucolipidosis type II. Last evaluated: 2021-01-28. Review status: criteria provided, single submitter. Criteria: Invitae Variant Classification Sherloc (09022015). Collection method: clinical testing. Allele origin: germline.
Comment: In summary, the available evidence is currently insufficient to determine the role of this variant in disease. Therefore, it has been classified as a Variant of Uncertain Significance. Algorithms developed to predict the effect of missense changes on protein structure and function (SIFT, PolyPhen-2, Align-GVGD) all suggest that this variant is likely to be disruptive, but these predictions have not been confirmed by published functional studies and their clinical significance is uncertain. This variant has not been reported in the literature in individuals with GNPTAB-related conditions. This variant is not present in population databases (ExAC no frequency). This sequence change replaces serine with tyrosine at codon 988 of the GNPTAB protein (p.Ser988Tyr). The serine residue is highly conserved and there is a large physicochemical difference between serine and tyrosine.

NM_024312.5(GNPTAB):c.2963C>A (p.Ser988Tyr)

Gene: GNPTAB (N-acetylglucosamine-1-phosphate transferase subunits alpha and beta; minus strand). Cytogenetic location: 12q23.2.
Variant type: single nucleotide variant.
Coding change: c.2963C>A on transcript NM_024312.5 (MANE Select); coding-DNA position 2963, C replaced by A.
Protein change: p.Ser988Tyr; replaces serine 988 with tyrosine.
Molecular consequence: missense variant.
Genome position (GRCh38, 1-based): chr12:101,761,299, G>T on the plus strand (C>A on the coding strand, the complement: GNPTAB is on the minus strand). VCF-style: chr12-101761299-G-T. GRCh37 (hg19) VCF-style: chr12-102155077-G-T.
Other names: short protein forms S988Y.
Identifiers: ClinVar variation 1518980 (VCV001518980.8), dbSNP rs2137112214, ClinGen allele CA386295953.
Genomic context (GRCh38, chr12:101,761,299, plus strand): 5'-AGTGGCTGCACTGCACTCATGAGATAATAAAAATAAGAGAAGGCAAACTGCATATCCTCA[G>T]AATGGCGCACTTTGTGAAATGACGTCTTGTCAAATTCTTCAGGGAACCTGTCCAAATATA-3'
Protein context (NP_077288.2, residues 978-998): DKTSFHKVRH[Ser988Tyr]EDMQFAFSYF